The following is an entry in ClinVar:

NM_001042492.3(NF1):c.3846T>G (p.Ser1282Arg)

Gene: NF1 (neurofibromin 1; plus strand). Cytogenetic location: 17q11.2.
Variant type: single nucleotide variant.
Coding change: c.3846T>G on transcript NM_001042492.3 (MANE Select); coding-DNA position 3846, T replaced by G.
Protein change: p.Ser1282Arg; replaces serine 1282 with arginine.
Molecular consequence: missense variant.
Genome position (GRCh38, 1-based): chr17:31,235,748, T>G. VCF-style: chr17-31235748-T-G. GRCh37 (hg19) VCF-style: chr17-29562766-T-G.
Other names: c.3846T>G, p.Ser1282Arg (NM_000267.4); short protein forms S1282R.
Identifiers: ClinVar variation 834998 (VCV000834998.6), dbSNP rs2067189266, ClinGen allele CA398992831.

ClinVar aggregate classification (germline): Pathogenic (1 of 4 stars; one submission).

Conditions:
Neurofibromatosis, type 1 (NF1). Also called: Peripheral type neurofibromatosis; Neurofibromatosis, type I; VON RECKLINGHAUSEN DISEASE; NEUROFIBROMATOSIS, TYPE I, SOMATIC. Identifiers: Orphanet 636, MedGen C0027831, MONDO:0018975, OMIM 162200. Disease mechanism: loss of function.

Submission:

Labcorp Genetics (formerly Invitae), Labcorp
Classification: Pathogenic for Neurofibromatosis, type 1. Last evaluated: 2024-08-19. Review status: criteria provided, single submitter. Criteria: Invitae Variant Classification Sherloc (09022015). Collection method: clinical testing. Allele origin: germline.
Comment: This sequence change replaces serine, which is neutral and polar, with arginine, which is basic and polar, at codon 1282 of the NF1 protein (p.Ser1282Arg). This variant is not present in population databases (gnomAD no frequency). This missense change has been observed in individual(s) with clinical features of NF1-related conditions (Invitae). In at least one individual the variant was observed to be de novo. ClinVar contains an entry for this variant (Variation ID: 834998). Invitae Evidence Modeling of protein sequence and biophysical properties (such as structural, functional, and spatial information, amino acid conservation, physicochemical variation, residue mobility, and thermodynamic stability) indicates that this missense variant is expected to disrupt NF1 protein function with a positive predictive value of 95%. For these reasons, this variant has been classified as Pathogenic.